The following is an entry in ClinVar:

NM_004380.3(CREBBP):c.2258T>G (p.Met753Arg)

Gene: CREBBP (CREB binding lysine acetyltransferase; minus strand). Cytogenetic location: 16p13.3.
Variant type: single nucleotide variant.
Coding change: c.2258T>G on transcript NM_004380.3 (MANE Select); coding-DNA position 2258, T replaced by G.
Protein change: p.Met753Arg; replaces methionine 753 with arginine.
Molecular consequence: missense variant.
Genome position (GRCh38, 1-based): chr16:3,774,594, A>C on the plus strand (T>G on the coding strand, the complement: CREBBP is on the minus strand). VCF-style: chr16-3774594-A-C. GRCh37 (hg19) VCF-style: chr16-3824595-A-C.
Other names: c.2144T>G, p.Met715Arg (NM_001079846.1); short protein forms M753R, M715R.
Identifiers: ClinVar variation 4999206 (VCV004999206.1).

ClinVar aggregate classification (germline): Uncertain significance (1 of 4 stars; one submission).

Conditions:
CREBBP-related disorder. Also called: CREBBP-related condition; CREBBP-related disorders.

Submission:

PreventionGenetics, part of Exact Sciences
Classification: Uncertain significance for CREBBP-related condition. Last evaluated: 2026-06-04. Review status: criteria provided, single submitter. Criteria: ACMG Guidelines, 2015. Collection method: clinical testing. Allele origin: germline.
Comment: The CREBBP c.2258T>G variant is predicted to result in the amino acid substitution p.Met753Arg. To our knowledge, this variant has not been reported in the literature or in a large population database (gnomAD), indicating this variant is rare. At this time, the clinical significance of this variant is uncertain due to the absence of conclusive functional and genetic evidence.